The following is an entry in ClinVar:

NM_001378454.1(ALMS1):c.4141T>C (p.Tyr1381His)

Gene: ALMS1 (ALMS1 centrosome and basal body associated protein; plus strand). Cytogenetic location: 2p13.1.
Variant type: single nucleotide variant.
Coding change: c.4141T>C on transcript NM_001378454.1 (MANE Select); coding-DNA position 4141, T replaced by C.
Protein change: p.Tyr1381His; replaces tyrosine 1381 with histidine.
Molecular consequence: missense variant.
Genome position (GRCh38, 1-based): chr2:73,450,668, T>C. VCF-style: chr2-73450668-T-C. GRCh37 (hg19) VCF-style: chr2-73677795-T-C.
Other names: c.4144T>C, p.Tyr1382His (NM_015120.4); short protein forms Y1381H, Y1382H.
Identifiers: ClinVar variation 4537575 (VCV004537575.1).

ClinVar aggregate classification (germline): Uncertain significance (1 of 4 stars; one submission).

Submission:

GeneDx
Classification: Uncertain significance. Last evaluated: 2025-06-09. Review status: criteria provided, single submitter. Criteria: GeneDx Variant Classification Process June 2021. Collection method: clinical testing. Allele origin: germline. Affected: yes.
Comment: Not observed at significant frequency in large population cohorts (gnomAD); In silico analysis suggests that this missense variant does not alter protein structure/function; Has not been previously published as pathogenic or benign to our knowledge